The following is an entry in ClinVar:

CM000663.1:g.3411413_3431235dup

Genes: MEGF6 (multiple EGF like domains 6; minus strand), LOC108281140 (MEGF6 intron CAGE-defined mid-level expression enhancer; plus strand), LOC132088707 (Neanderthal introgressed variant-containing enhancer experimental_7326; plus strand). Cytogenetic location: 1p36.32.
Variant type: Duplication.
Identifiers: ClinVar variation 156727 (VCV000156727.2).

ClinVar aggregate classification (germline): not provided (0 of 4 stars; one submission).

Conditions:
Preeclampsia. Identifiers: Orphanet 275555, MedGen C0032914, MONDO:0005081, HP:0100602.

Submission:

Institute of Molecular and Cell Biology, University of Tartu
No classification provided. Condition: Preeclampsia. Review status: no classification provided. Collection method: case-control. Allele origin: unknown. Affected: yes. Study: Kasak2014.
Comment: The study aimed to determine the contribution of copy number variants in the genetic etiology of normal and complicated pregnancies. The samples represented (i) maternal blood DNA drawn from healthy pregnant women during 1st or 2nd trimester and (ii) maternal and paternal blood DNA drawn at term pregnancy cases representing normal and complicated gestations (severe preeclampsia, PE; gestational diabetes, GD; small-for-gestational age newborn, SGA; large-for-gestational age newborn, LGA). We performed CNV calling based on genome-wide genotyping dataset (Illumina HumanOmniExpress-24-v1 BeadChip) by applying three algorithms, QuantiSNP, GADA (Genome Alteration Detection Algorithm) and CNstream in parallel. The acquired CNV calls were merged with HD-CNV (Hotspot Detector for Copy Number Variants) program and only the CNVs predicted by at least two programs, were considered in subsequent analysis.

Literature cited by the submitters: PubMed 25666259.